The following is an entry in ClinVar:

NM_006939.4(SOS2):c.970-194C>G

Gene: SOS2 (SOS Ras/Rho guanine nucleotide exchange factor 2; minus strand). Cytogenetic location: 14q21.3.
Variant type: single nucleotide variant.
Coding change: c.970-194C>G on transcript NM_006939.4 (MANE Select); 194 bases into the intron before coding-DNA position 970, C replaced by G.
Molecular consequence: intron variant.
Genome position (GRCh38, 1-based): chr14:50,174,746, G>C on the plus strand (C>G on the coding strand, the complement: SOS2 is on the minus strand). VCF-style: chr14-50174746-G-C. GRCh37 (hg19) VCF-style: chr14-50641464-G-C.
Identifiers: ClinVar variation 561543 (VCV000561543.1), dbSNP rs79843008, ClinGen allele CA260747255.

ClinVar aggregate classification (germline): Benign (1 of 4 stars; one submission).

Allele frequency attached by ClinVar (database versions not stated): TOPMed 0.12139; 1000 Genomes Project 30x 0.17224; 1000 Genomes Project 0.17792.
gnomAD v4.1: 18,674 of 152,100 alleles (12%); highest among the groups gnomAD compares: East Asian, 44%; 1,595 homozygotes.

Submission:

GeneDx
Classification: Benign. Last evaluated: 2018-06-16. Review status: criteria provided, single submitter. Criteria: GeneDx Variant Classification (06012015). Collection method: clinical testing. Allele origin: germline. Affected: yes.
Comment: This variant is considered likely benign or benign based on one or more of the following criteria: it is a conservative change, it occurs at a poorly conserved position in the protein, it is predicted to be benign by multiple in silico algorithms, and/or has population frequency not consistent with disease.